The following is an entry in ClinVar:

ClinVar aggregate classification (germline): Uncertain significance (1 of 4 stars; one submission).

Submission:

Labcorp Genetics (formerly Invitae), Labcorp
Classification: Uncertain significance. Last evaluated: 2024-05-28. Review status: criteria provided, single submitter. Criteria: Invitae Variant Classification Sherloc (09022015). Collection method: clinical testing. Allele origin: germline.
Comment: This sequence change replaces proline, which is neutral and non-polar, with threonine, which is neutral and polar, at codon 1848 of the ARID1B protein (p.Pro1848Thr). This variant is present in population databases (no rsID available, gnomAD 0.0009%). This variant has not been reported in the literature in individuals affected with ARID1B-related conditions. Advanced modeling of protein sequence and biophysical properties (such as structural, functional, and spatial information, amino acid conservation, physicochemical variation, residue mobility, and thermodynamic stability) has been performed at Invitae for this missense variant, however the output from this modeling did not meet the statistical confidence thresholds required to predict the impact of this variant on ARID1B protein function. In summary, the available evidence is currently insufficient to determine the role of this variant in disease. Therefore, it has been classified as a Variant of Uncertain Significance.

NM_001374828.1(ARID1B):c.5911C>A (p.Pro1971Thr)

Gene: ARID1B (AT-rich interaction domain 1B; plus strand). Cytogenetic location: 6q25.3.
Variant type: single nucleotide variant.
Coding change: c.5911C>A on transcript NM_001374828.1 (MANE Select); coding-DNA position 5911, C replaced by A.
Protein change: p.Pro1971Thr; replaces proline 1971 with threonine.
Molecular consequence: missense variant.
Genome position (GRCh38, 1-based): chr6:157,206,683, C>A. VCF-style: chr6-157206683-C-A. GRCh37 (hg19) VCF-style: chr6-157527817-C-A.
Other names: c.3412C>A, p.Pro1138Thr (NM_001363725.2); c.5791C>A, p.Pro1931Thr (NM_001371656.1, NM_001374820.1); c.5752C>A, p.Pro1918Thr (NM_017519.3); short protein forms P1138T, P1931T, P1971T, P1918T.
Identifiers: ClinVar variation 3680703 (VCV003680703.2).
Genomic context (GRCh38, chr6:157,206,683, plus strand): 5'-GAGCACATTCAGACTCACTTTGAGAGCAAGATGGAAATTCCTCCTCGCAGGCGCCCACCT[C>A]CCCCCTTAAGCTCCGCAGGTAGAAAGAAAGAGCAAGAAGGCAAAGGCGACTCTGAAGAGC-3'
Protein context (NP_001361757.1, residues 1961-1981): MEIPPRRRPP[Pro1971Thr]PLSSAGRKKE